The following is an entry in ClinVar:

NM_015450.3(POT1):c.389A>G (p.His130Arg)

Gene: POT1 (protection of telomeres 1; minus strand). Cytogenetic location: 7q31.33.
Variant type: single nucleotide variant.
Coding change: c.389A>G on transcript NM_015450.3 (MANE Select); coding-DNA position 389, A replaced by G.
Protein change: p.His130Arg; replaces histidine 130 with arginine.
Molecular consequence: missense variant. On other transcripts: 5 prime UTR variant (1), non-coding transcript variant (3).
Genome position (GRCh38, 1-based): chr7:124,863,507, T>C on the plus strand (A>G on the coding strand, the complement: POT1 is on the minus strand). VCF-style: chr7-124863507-T-C. GRCh37 (hg19) VCF-style: chr7-124503561-T-C.
Other names: c.-5A>G (NM_001042594.2); short protein forms H130R.
Identifiers: ClinVar variation 1809571 (VCV001809571.2), dbSNP rs1584773013, ClinGen allele CA369059594.

ClinVar aggregate classification (germline): Uncertain significance (1 of 4 stars; one submission).

Submission:

Quest Diagnostics Nichols Institute San Juan Capistrano
Classification: Uncertain significance. Last evaluated: 2024-08-06. Review status: criteria provided, single submitter. Criteria: Quest Diagnostics criteria. Collection method: clinical testing. Allele origin: unknown.
Comment: The POT1 c.389A>G (p.His130Arg) variant has not been reported in individuals with POT1-related conditions in the published literature. It also has not been reported in large, multi-ethnic general populations (Genome Aggregation Database). Analysis of this variant using bioinformatics tools for the prediction of the effect of amino acid changes on protein structure and function yielded predictions that this variant is benign. Based on the available information, we are unable to determine the clinical significance of this variant.